The following is an entry in ClinVar:

NM_001042492.3(NF1):c.5836T>G (p.Leu1946Val)

Gene: NF1 (neurofibromin 1; plus strand). Cytogenetic location: 17q11.2.
Variant type: single nucleotide variant.
Coding change: c.5836T>G on transcript NM_001042492.3 (MANE Select); coding-DNA position 5836, T replaced by G.
Protein change: p.Leu1946Val; replaces leucine 1946 with valine.
Molecular consequence: missense variant.
Genome position (GRCh38, 1-based): chr17:31,334,861, T>G. VCF-style: chr17-31334861-T-G. GRCh37 (hg19) VCF-style: chr17-29661879-T-G.
Other names: c.5773T>G, p.Leu1925Val (NM_000267.4); short protein forms L1925V, L1946V.
Identifiers: ClinVar variation 2837221 (VCV002837221.3), dbSNP rs1422333640, ClinGen allele CA399010603.

ClinVar aggregate classification (germline): Uncertain significance (1 of 4 stars; one submission).

Conditions:
Neurofibromatosis, type 1 (NF1). Also called: VON RECKLINGHAUSEN DISEASE; NEUROFIBROMATOSIS, TYPE I, SOMATIC; Neurofibromatosis, type I; Peripheral type neurofibromatosis. Identifiers: Orphanet 636, MedGen C0027831, MONDO:0018975, OMIM 162200. Disease mechanism: loss of function.

Submission:

Labcorp Genetics (formerly Invitae), Labcorp
Classification: Uncertain significance for Neurofibromatosis, type 1. Last evaluated: 2023-02-14. Review status: criteria provided, single submitter. Criteria: Invitae Variant Classification Sherloc (09022015). Collection method: clinical testing. Allele origin: germline.
Comment: In summary, the available evidence is currently insufficient to determine the role of this variant in disease. Therefore, it has been classified as a Variant of Uncertain Significance. This sequence change replaces leucine, which is neutral and non-polar, with valine, which is neutral and non-polar, at codon 1925 of the NF1 protein (p.Leu1925Val). This variant is not present in population databases (gnomAD no frequency). This variant has not been reported in the literature in individuals affected with NF1-related conditions. Advanced modeling of protein sequence and biophysical properties (such as structural, functional, and spatial information, amino acid conservation, physicochemical variation, residue mobility, and thermodynamic stability) performed at Invitae indicates that this missense variant is expected to disrupt NF1 protein function.